The following is an entry in ClinVar:

NM_130468.4(CHST14):c.686A>G (p.Glu229Gly)

Gene: CHST14 (carbohydrate sulfotransferase 14; plus strand). Cytogenetic location: 15q15.1.
Variant type: single nucleotide variant.
Coding change: c.686A>G on transcript NM_130468.4 (MANE Select); coding-DNA position 686, A replaced by G.
Protein change: p.Glu229Gly; replaces glutamic acid 229 with glycine.
Molecular consequence: missense variant.
Genome position (GRCh38, 1-based): chr15:40,471,899, A>G. VCF-style: chr15-40471899-A-G. GRCh37 (hg19) VCF-style: chr15-40764098-A-G.
Other names: short protein forms E229G.
Identifiers: ClinVar variation 1399368 (VCV001399368.9), dbSNP rs1043019552, ClinGen allele CA268822658.

ClinVar aggregate classification (germline): Uncertain significance. Review status: criteria provided, multiple submitters, no conflicts (2 of 4 stars). 2 submissions from 2 submitters: Uncertain significance (2). Last evaluated 2025-05-26.

Conditions:
Cardiovascular phenotype. Identifiers: MedGen CN230736.
Ehlers-Danlos syndrome, musculocontractural type (EDSMC). Also called: Adducted thumb, clubfoot, progressive joint and skin laxity syndrome; DUNDAR SYNDROME; ADDUCTED THUMB-CLUBFOOT SYNDROME; ARTHROGRYPOSIS, DISTAL, WITH PECULIAR FACIES AND HYDRONEPHROSIS. Identifiers: Orphanet 2953, MedGen C1866294, MONDO:0011142.

Allele frequency attached by ClinVar (database versions not stated): gnomAD exomes below 0.00001; TOPMed 0.00001.

Submissions (2):

Ambry Genetics
Classification: Uncertain significance for Cardiovascular phenotype. Last evaluated: 2025-05-26. Review status: criteria provided, single submitter. Criteria: Ambry Variant Classification Scheme 2023. Collection method: clinical testing. Allele origin: germline.
Comment: The p.E229G variant (also known as c.686A>G), located in coding exon 1 of the CHST14 gene, results from an A to G substitution at nucleotide position 686. The glutamic acid at codon 229 is replaced by glycine, an amino acid with similar properties. This amino acid position is conserved. In addition, this alteration is predicted to be deleterious by in silico analysis. Since supporting evidence is limited at this time, the clinical significance of this alteration remains unclear.

Labcorp Genetics (formerly Invitae), Labcorp
Classification: Uncertain significance for Ehlers-Danlos syndrome, musculocontractural type. Last evaluated: 2024-08-06. Review status: criteria provided, single submitter. Criteria: Invitae Variant Classification Sherloc (09022015). Collection method: clinical testing. Allele origin: germline.
Comment: This sequence change replaces glutamic acid, which is acidic and polar, with glycine, which is neutral and non-polar, at codon 229 of the CHST14 protein (p.Glu229Gly). This variant is present in population databases (no rsID available, gnomAD 0.0009%). This variant has not been reported in the literature in individuals affected with CHST14-related conditions. ClinVar contains an entry for this variant (Variation ID: 1399368). Advanced modeling of protein sequence and biophysical properties (such as structural, functional, and spatial information, amino acid conservation, physicochemical variation, residue mobility, and thermodynamic stability) performed at Invitae indicates that this missense variant is not expected to disrupt CHST14 protein function with a negative predictive value of 80%. In summary, the available evidence is currently insufficient to determine the role of this variant in disease. Therefore, it has been classified as a Variant of Uncertain Significance.